The following is an entry in ClinVar:

NM_001370658.1(BTD):c.1254_1298dup (p.Tyr433_Tyr434insAlaLeuGlyValPheAspGlyLeuHisThrValHisGlyThrTyr)

Gene: BTD (biotinidase; plus strand). Cytogenetic location: 3p25.1.
Variant type: Duplication.
Coding change: c.1254_1298dup on transcript NM_001370658.1 (MANE Select); coding-DNA positions 1254 to 1298, 45 bases duplicated.
Protein change: p.Tyr433_Tyr434insAlaLeuGlyValPheAspGlyLeuHisThrValHisGlyThrTyr.
Molecular consequence: intron variant (on NM_001370752.1).
Genome position (GRCh38, 1-based): chr3:15,645,170-15,645,214, 45 bases duplicated; duplicating any 45 consecutive bases within chr3:15,645,168-15,645,214 gives the same sequence; the c. name uses the placement nearest the transcript's 3' end. GRCh37 (hg19): chr3:15,686,677-15,686,721.
Other names: c.1254_1298dup, p.Tyr433_Tyr434insAlaLeuGlyValPheAspGlyLeuHisThrValHisGlyThrTyr (NM_001407373.1, NM_001407374.1, NM_001407375.1 and 16 more transcripts); c.1015+239_1015+283dup (NM_001370752.1, NM_001407379.1); c.399+3113_399+3157dup (NM_001370753.1, NM_001407400.1, NM_001407380.1 and 3 more transcripts).
Identifiers: ClinVar variation 3623149 (VCV003623149.7).

ClinVar aggregate classification (germline): Conflicting classifications of pathogenicity. Review status: criteria provided, conflicting classifications (1 of 4 stars). 2 submissions from 2 submitters: Likely pathogenic (1); Uncertain significance (1). Last evaluated 2025-11-01.

Conditions:
Biotinidase deficiency. Also called: BTD deficiency; Late-onset biotin-responsive multiple carboxylase deficiency; Biotin deficiency. Identifiers: Orphanet 79241, MedGen C0220754, MONDO:0009665, OMIM 253260.

Submissions (2):

CeGaT Center for Human Genetics Tuebingen
Classification: Likely pathogenic. Last evaluated: 2025-11-01. Review status: criteria provided, single submitter. Criteria: CeGaT Center For Human Genetics Tuebingen Variant Classification Criteria Version 2. Collection method: clinical testing. Allele origin: germline. Affected: yes. Observed: 1 variant allele.
Comment: BTD: PM2, PM3, PM4

Labcorp Genetics (formerly Invitae), Labcorp
Classification: Uncertain significance for Biotinidase deficiency. Last evaluated: 2024-10-28. Review status: criteria provided, single submitter. Criteria: Invitae Variant Classification Sherloc (09022015). Collection method: clinical testing. Allele origin: germline.
Comment: This variant, c.1314_1358dup, results in the insertion of 15 amino acid(s) of the BTD protein (p.Ala439_Tyr453dup), but otherwise preserves the integrity of the reading frame. This variant is not present in population databases (gnomAD no frequency). This variant has not been reported in the literature in individuals affected with BTD-related conditions. In summary, the available evidence is currently insufficient to determine the role of this variant in disease. Therefore, it has been classified as a Variant of Uncertain Significance.